The following is an entry in ClinVar:

NM_033026.6(PCLO):c.262G>C (p.Asp88His)

Gene: PCLO (piccolo presynaptic cytomatrix protein; minus strand). Cytogenetic location: 7q21.11.
Variant type: single nucleotide variant.
Coding change: c.262G>C on transcript NM_033026.6 (MANE Select); coding-DNA position 262, G replaced by C.
Protein change: p.Asp88His; replaces aspartic acid 88 with histidine.
Molecular consequence: missense variant.
Genome position (GRCh38, 1-based): chr7:83,156,379, C>G on the plus strand (G>C on the coding strand, the complement: PCLO is on the minus strand). VCF-style: chr7-83156379-C-G. GRCh37 (hg19) VCF-style: chr7-82785695-C-G.
Other names: c.262G>C, p.Asp88His (NM_014510.3); short protein forms D88H.
Identifiers: ClinVar variation 1506815 (VCV001506815.8), dbSNP rs2116694483, ClinGen allele CA367921628.
Genomic context (GRCh38, chr7:83,156,379, plus strand): 5'-GTTGAGCTGGACGCCCAGGGTCCGGGGGTCTTCCTGATTGCTTTGGAGGATGACTACTAT[C>G]CAACTCTTGTTTCCTAGAAGAGTTAAAAAAAAAAAAAAAAATCAAGTGAAAATAATGGAA-3'
Protein context (NP_149015.2, residues 78-98): SPSMHRKQEL[Asp88His]SSHPPKQSGR

ClinVar aggregate classification (germline): Uncertain significance (1 of 4 stars; one submission).

Submission:

Labcorp Genetics (formerly Invitae), Labcorp
Classification: Uncertain significance. Last evaluated: 2024-02-24. Review status: criteria provided, single submitter. Criteria: Invitae Variant Classification Sherloc (09022015). Collection method: clinical testing. Allele origin: germline.
Comment: This sequence change replaces aspartic acid, which is acidic and polar, with histidine, which is basic and polar, at codon 88 of the PCLO protein (p.Asp88His). This variant is not present in population databases (gnomAD no frequency). This variant has not been reported in the literature in individuals affected with PCLO-related conditions. ClinVar contains an entry for this variant (Variation ID: 1506815). Experimental studies and prediction algorithms are not available or were not evaluated, and the functional significance of this variant is currently unknown. In summary, the available evidence is currently insufficient to determine the role of this variant in disease. Therefore, it has been classified as a Variant of Uncertain Significance.